The following is an entry in ClinVar:

NM_000155.4(GALT):c.213_221dup (p.Leu74_Cys75insAsnProLeu)

Genes: GALT (galactose-1-phosphate uridylyltransferase; plus strand), LOC130001683 (ATAC-STARR-seq lymphoblastoid active region 28314; plus strand). Cytogenetic location: 9p13.3.
Variant type: Duplication.
Coding change: c.213_221dup on transcript NM_000155.4 (MANE Select); coding-DNA positions 213 to 221, 9 bases duplicated (CAACCCTCT; older notation c.213_221dupCAACCCTCT).
Protein change: p.Leu74_Cys75insAsnProLeu.
Molecular consequence: inframe insertion.
Genome position (GRCh38, 1-based): chr9:34,647,219-34,647,227, CAACCCTCT duplicated; duplicating any 9 consecutive bases within chr9:34,647,212-34,647,227 gives the same sequence; the c. name uses the placement nearest the transcript's 3' end. VCF-style (leftmost placement, unchanged base first): chr9-34647211-G-GACCCTCTCA. GRCh37 (hg19) VCF-style: chr9-34647208-G-GACCCTCTCA.
Other names: p.Asn72_Leu74dup; c.11_19dup, p.Leu6_Cys7insSerThrLeu (NM_001258332.2).
Identifiers: ClinVar variation 4541432 (VCV004541432.1).

ClinVar aggregate classification (germline): Uncertain significance (1 of 4 stars; one submission).

Submission:

Mayo Clinic Laboratories, Mayo Clinic
Classification: Uncertain significance. Last evaluated: 2025-08-19. Review status: criteria provided, single submitter. Criteria: ACMG Guidelines, 2015. Collection method: clinical testing. Allele origin: germline. Observed: 1 variant allele.
Comment: PP4, PM2_supporting, PM4